The following is an entry in ClinVar:

ClinVar aggregate classification (germline): Uncertain significance (1 of 4 stars; one submission).

Submission:

Labcorp Genetics (formerly Invitae), Labcorp
Classification: Uncertain significance. Last evaluated: 2018-12-11. Review status: criteria provided, single submitter. Criteria: Invitae Variant Classification Sherloc (09022015). Collection method: clinical testing. Allele origin: germline.
Comment: This sequence change replaces phenylalanine with serine at codon 979 of the SCN3A protein (p.Phe979Ser). The phenylalanine residue is highly conserved and there is a large physicochemical difference between phenylalanine and serine. This variant is not present in population databases (ExAC no frequency). This variant has not been reported in the literature in individuals with SCN3A-related conditions. Algorithms developed to predict the effect of missense changes on protein structure and function are either unavailable or do not agree on the potential impact of this missense change (SIFT: "Deleterious"; PolyPhen-2: "Benign"; Align-GVGD: "Class C55"). In summary, the available evidence is currently insufficient to determine the role of this variant in disease. Therefore, it has been classified as a Variant of Uncertain Significance.

NM_006922.4(SCN3A):c.2936T>C (p.Phe979Ser)

Gene: SCN3A (sodium voltage-gated channel alpha subunit 3; minus strand). Cytogenetic location: 2q24.3.
Variant type: single nucleotide variant.
Coding change: c.2936T>C on transcript NM_006922.4 (MANE Select); coding-DNA position 2936, T replaced by C.
Protein change: p.Phe979Ser; replaces phenylalanine 979 with serine.
Molecular consequence: missense variant.
Genome position (GRCh38, 1-based): chr2:165,128,088, A>G on the plus strand (T>C on the coding strand, the complement: SCN3A is on the minus strand). VCF-style: chr2-165128088-A-G. GRCh37 (hg19) VCF-style: chr2-165984598-A-G.
Other names: c.2789T>C, p.Phe930Ser (NM_001081676.2, NM_001081677.2); short protein forms F979S, F930S.
Identifiers: ClinVar variation 639540 (VCV000639540.1), dbSNP rs1574159577, ClinGen allele CA349041987.